The following is an entry in ClinVar:

NM_025114.4(CEP290):c.2525A>G (p.Glu842Gly)

Gene: CEP290 (centrosomal protein 290; minus strand). Cytogenetic location: 12q21.32.
Variant type: single nucleotide variant.
Coding change: c.2525A>G on transcript NM_025114.4 (MANE Select); coding-DNA position 2525, A replaced by G.
Protein change: p.Glu842Gly; replaces glutamic acid 842 with glycine.
Molecular consequence: missense variant.
Genome position (GRCh38, 1-based): chr12:88,107,057, T>C on the plus strand (A>G on the coding strand, the complement: CEP290 is on the minus strand). VCF-style: chr12-88107057-T-C. GRCh37 (hg19) VCF-style: chr12-88500834-T-C.
Other names: short protein forms E842G.
Identifiers: ClinVar variation 4064286 (VCV004064286.3).

ClinVar aggregate classification (germline): Uncertain significance. Review status: criteria provided, multiple submitters, no conflicts (2 of 4 stars). 3 submissions from 3 submitters: Uncertain significance (2). 1 of the submissions does not count toward it. Last evaluated 2026-06-11.

Conditions:
Leber congenital amaurosis (LCA). Also called: Leber's amaurosis. Identifiers: Orphanet 65, MedGen C0339527, MeSH D057130, MONDO:0018998.
CEP290-related disorder. Also called: CEP290-related condition; CEP290-related disorders. Identifiers: MedGen CN239314.

gnomAD v4.1: 1 of 1,554,288 alleles (0.000064%); highest among the groups gnomAD compares: Non-Finnish European, 0.000087%; no homozygotes.

Submissions (3):

PreventionGenetics, part of Exact Sciences
Classification: Uncertain significance for CEP290-related condition. Last evaluated: 2026-06-11. Review status: criteria provided, single submitter. Criteria: ACMG Guidelines, 2015. Collection method: clinical testing. Allele origin: germline.
Comment: The CEP290 c.2525A>G variant is predicted to result in the amino acid substitution p.Glu842Gly. To our knowledge, this variant has not been reported in the literature. This variant is reported in 0.0014% of alleles in individuals of European (Non-Finnish) descent in gnomAD. At this time, the clinical significance of this variant is uncertain due to the absence of conclusive functional and genetic evidence.

Blueprint Genetics
Classification: Uncertain significance. Last evaluated: 2024-07-05. Review status: criteria provided, single submitter. Criteria: ACMG Guidelines, 2015. Collection method: clinical testing. Allele origin: germline.

Natera, Inc.
Classification: Uncertain significance for Leber congenital amaurosis. Last evaluated: 2025-03-26. Review status: no assertion criteria provided. Collection method: clinical testing. Allele origin: germline. Not counted in ClinVar's aggregate classification.